The following is an entry in ClinVar:

ClinVar aggregate classification (germline): Likely pathogenic (1 of 4 stars; one submission).

Conditions:
Dilated cardiomyopathy 1G (CMD1G). Identifiers: Orphanet 154, MedGen C1858763, MONDO:0011400, OMIM 604145.
Autosomal recessive limb-girdle muscular dystrophy type 2J (LGMDR10). Also called: Limb-girdle muscular dystrophy, type 2J; MUSCULAR DYSTROPHY, LIMB-GIRDLE, AUTOSOMAL RECESSIVE 10. Identifiers: Orphanet 140922, MedGen C1837342, MONDO:0012127, OMIM 608807.

Submission:

Labcorp Genetics (formerly Invitae), Labcorp
Classification: Likely pathogenic for Dilated cardiomyopathy 1G; Autosomal recessive limb-girdle muscular dystrophy type 2J. Last evaluated: 2023-06-25. Review status: criteria provided, single submitter. Criteria: Invitae Variant Classification Sherloc (09022015). Collection method: clinical testing. Allele origin: germline.
Comment: This sequence change creates a premature translational stop signal (p.Val24450Phefs*11) in the TTN gene. While this is not anticipated to result in nonsense mediated decay, it is expected to create a truncated TTN protein. In summary, the currently available evidence indicates that the variant is pathogenic, but additional data are needed to prove that conclusively. Therefore, this variant has been classified as Likely Pathogenic. This variant is located in the A band of TTN (PMID: 25589632). Truncating variants in this region are significantly overrepresented in patients affected with dilated cardiomyopathy (PMID: 25589632). Truncating variants in this region have also been reported in individuals affected with autosomal recessive centronuclear myopathy (PMID: 23975875). This variant has not been reported in the literature in individuals affected with TTN-related conditions. This variant is not present in population databases (gnomAD no frequency).

Literature cited by the submitters: PubMed 25589632; PubMed 23975875.

NM_001267550.2(TTN):c.73348del (p.Val24450fs)

Genes: TTN-AS1 (TTN antisense RNA 1; plus strand), TTN (titin; minus strand). Cytogenetic location: 2q31.2.
Variant type: Deletion.
Coding change: c.73348del on transcript NM_001267550.2 (MANE Select); coding-DNA position 73348, one base deleted (G; older notation c.73348delG).
Protein change: p.Val24450fs; shifts the reading frame from valine 24450.
Molecular consequence: frameshift variant.
Genome position (GRCh38, 1-based): chr2:178,572,784, C deleted on the plus strand (G on the coding strand, the reverse complement: TTN is on the minus strand). VCF-style (leftmost placement, unchanged base first): chr2-178572783-AC-A. GRCh37 (hg19) VCF-style: chr2-179437510-AC-A.
Other names: c.68425del, p.Val22809fs (NM_001256850.1); c.46153del, p.Val15385fs (NM_003319.4); c.65644del, p.Val21882fs (NM_133378.4); c.46528del, p.Val15510fs (NM_133432.3); c.46729del, p.Val15577fs (NM_133437.4); short protein forms V22809fs, V24450fs, V15385fs, V15510fs, V15577fs, V21882fs.
Identifiers: ClinVar variation 2949298 (VCV002949298.3), dbSNP rs2468553604, ClinGen allele CA2740096027.